The following is an entry in ClinVar:

ClinVar aggregate classification (germline): Uncertain significance (1 of 4 stars; one submission).

Allele frequency attached by ClinVar (database versions not stated): gnomAD exomes below 0.00001; TOPMed 0.00002.
gnomAD v4.1: 3 of 1,613,882 alleles (0.00019%); highest among the groups gnomAD compares: Non-Finnish European, 0.00025%; no homozygotes.

Submission:

Labcorp Genetics (formerly Invitae), Labcorp
Classification: Uncertain significance. Last evaluated: 2022-07-06. Review status: criteria provided, single submitter. Criteria: Invitae Variant Classification Sherloc (09022015). Collection method: clinical testing. Allele origin: germline.
Comment: In summary, the available evidence is currently insufficient to determine the role of this variant in disease. Therefore, it has been classified as a Variant of Uncertain Significance. Algorithms developed to predict the effect of missense changes on protein structure and function (SIFT, PolyPhen-2, Align-GVGD) all suggest that this variant is likely to be tolerated. This variant has not been reported in the literature in individuals affected with DNA2-related conditions. This variant is not present in population databases (gnomAD no frequency). This sequence change replaces proline, which is neutral and non-polar, with serine, which is neutral and polar, at codon 1024 of the DNA2 protein (p.Pro1024Ser).

NM_001080449.3(DNA2):c.3070C>T (p.Pro1024Ser)

Gene: DNA2 (DNA replication helicase/nuclease 2; minus strand). Cytogenetic location: 10q21.3.
Variant type: single nucleotide variant.
Coding change: c.3070C>T on transcript NM_001080449.3 (MANE Select); coding-DNA position 3070, C replaced by T.
Protein change: p.Pro1024Ser; replaces proline 1024 with serine.
Molecular consequence: missense variant. On other transcripts: non-coding transcript variant (1).
Genome position (GRCh38, 1-based): chr10:68,416,753, G>A on the plus strand (C>T on the coding strand, the complement: DNA2 is on the minus strand). VCF-style: chr10-68416753-G-A. GRCh37 (hg19) VCF-style: chr10-70176510-G-A.
Other names: short protein forms P1024S.
Identifiers: ClinVar variation 2195380 (VCV002195380.4), dbSNP rs1335980511, ClinGen allele CA376838993.